The following is an entry in ClinVar:

NM_001130965.3(SUN1):c.2054T>A (p.Met685Lys)

Gene: SUN1 (Sad1 and UNC84 domain containing 1; plus strand). Cytogenetic location: 7p22.3.
Variant type: single nucleotide variant.
Coding change: c.2054T>A on transcript NM_001130965.3 (MANE Select); coding-DNA position 2054, T replaced by A.
Protein change: p.Met685Lys; replaces methionine 685 with lysine.
Molecular consequence: missense variant. On other transcripts: non-coding transcript variant (3).
Genome position (GRCh38, 1-based): chr7:869,422, T>A. VCF-style: chr7-869422-T-A. GRCh37 (hg19) VCF-style: chr7-909059-T-A.
Other names: c.2468T>A, p.Met823Lys (NM_001367651.1); c.2054T>A, p.Met685Lys (NM_001367653.1, NM_001367633.1, NM_001367634.1); c.2264T>A, p.Met755Lys (NM_001367655.1, NM_001367700.1); c.1340T>A, p.Met447Lys (NM_001367658.1); c.1871T>A, p.Met624Lys (NM_001367660.1); c.1901T>A, p.Met634Lys (NM_001367662.1, NM_001367671.1); c.2165T>A, p.Met722Lys (NM_001367664.1, NM_001367685.1); c.2051T>A, p.Met684Lys (NM_001367665.1, NM_001367694.1); and 43 more; short protein forms M624K, M634K, M663K, M672K, M685K, M711K, M721K, M722K.
Identifiers: ClinVar variation 1509322 (VCV001509322.6), dbSNP rs1839819500, ClinGen allele CA366535122.

ClinVar aggregate classification (germline): Uncertain significance (1 of 4 stars; one submission).

Conditions:
Emery-Dreifuss muscular dystrophy (EDMD). Also called: Scapuloperoneal syndrome, X-linked (formerly); Humeroperoneal neuromuscular disease, (formerly). Identifiers: Orphanet 261, MedGen C0410189, MONDO:0016830.

Submission:

Labcorp Genetics (formerly Invitae), Labcorp
Classification: Uncertain significance for Emery-Dreifuss muscular dystrophy. Last evaluated: 2021-10-07. Review status: criteria provided, single submitter. Criteria: Invitae Variant Classification Sherloc (09022015). Collection method: clinical testing. Allele origin: germline.
Comment: In summary, the available evidence is currently insufficient to determine the role of this variant in disease. Therefore, it has been classified as a Variant of Uncertain Significance. Algorithms developed to predict the effect of sequence changes on RNA splicing suggest that this variant may create or strengthen a splice site. Algorithms developed to predict the effect of missense changes on protein structure and function output the following: SIFT: "Tolerated"; PolyPhen-2: "Benign"; Align-GVGD: "Class C0". The lysine amino acid residue is found in multiple mammalian species, which suggests that this missense change does not adversely affect protein function. This variant has not been reported in the literature in individuals affected with SUN1-related conditions. This variant is not present in population databases (ExAC no frequency). This sequence change replaces methionine with lysine at codon 685 of the SUN1 protein (p.Met685Lys). The methionine residue is weakly conserved and there is a moderate physicochemical difference between methionine and lysine.